The following is an entry in ClinVar:

ClinVar aggregate classification (germline): Uncertain significance. Review status: criteria provided, multiple submitters, no conflicts (2 of 4 stars). 2 submissions from 2 submitters: Uncertain significance (2). Last evaluated 2025-06-30.

Allele frequency attached by ClinVar (database versions not stated): ExAC 0.00001; gnomAD exomes below 0.00001.
gnomAD v4.1: 1 of 1,613,636 alleles (0.000062%); highest among the groups gnomAD compares: Admixed American, 0.0017%; no homozygotes.

Submissions (2):

Labcorp Genetics (formerly Invitae), Labcorp
Classification: Uncertain significance. Last evaluated: 2025-06-30. Review status: criteria provided, single submitter. Criteria: Invitae Variant Classification Sherloc (09022015). Collection method: clinical testing. Allele origin: germline.
Comment: This sequence change creates a premature translational stop signal (p.Tyr1303*) in the SAMD9L gene. While this is not anticipated to result in nonsense mediated decay, it is expected to disrupt the last 282 amino acid(s) of the SAMD9L protein. The frequency data for this variant in the population databases is considered unreliable, as metrics indicate poor data quality at this position in the gnomAD database. This variant has not been reported in the literature in individuals affected with SAMD9L-related conditions. ClinVar contains an entry for this variant (Variation ID: 1804860). In summary, the available evidence is currently insufficient to determine the role of this variant in disease. Therefore, it has been classified as a Variant of Uncertain Significance.

Women's Health and Genetics/Laboratory Corporation of America, LabCorp
Classification: Uncertain significance. Last evaluated: 2022-11-09. Review status: criteria provided, single submitter. Criteria: LabCorp Variant Classification Summary - May 2015. Collection method: clinical testing. Allele origin: germline.
Comment: Variant summary: SAMD9L c.3909C>A (p.Tyr1303X) results in a premature termination codon, predicted to cause a truncation of the encoded protein or absence of the protein due to nonsense mediated decay, which are not commonly known mechanisms for disease. The variant allele was found at a frequency of 4e-06 in 249814 control chromosomes. The available data on variant occurrences in the general population are insufficient to allow any conclusion about variant significance. To our knowledge, no occurrence of c.3909C>A in individuals affected with SAMD9L-Related Disorders and no experimental evidence demonstrating its impact on protein function have been reported. No clinical diagnostic laboratories have submitted clinical-significance assessments for this variant to ClinVar after 2014. Based on the evidence outlined above, the variant was classified as uncertain significance.

NM_152703.5(SAMD9L):c.3909C>A (p.Tyr1303Ter)

Gene: SAMD9L (sterile alpha motif domain containing 9 like; minus strand). Cytogenetic location: 7q21.2.
Variant type: single nucleotide variant.
Coding change: c.3909C>A on transcript NM_152703.5 (MANE Select); coding-DNA position 3909, C replaced by A.
Protein change: p.Tyr1303Ter; replaces tyrosine 1303 with a stop codon.
Molecular consequence: nonsense.
Genome position (GRCh38, 1-based): chr7:93,132,063, G>T on the plus strand (C>A on the coding strand, the complement: SAMD9L is on the minus strand). VCF-style: chr7-93132063-G-T. GRCh37 (hg19) VCF-style: chr7-92761376-G-T.
Other names: c.3909C>A, p.Tyr1303Ter (NM_001303496.3, NM_001303497.3, NM_001303498.3 and 5 more transcripts); short protein forms Y1303*.
Identifiers: ClinVar variation 1804860 (VCV001804860.2), dbSNP rs753217547, ClinGen allele CA4343386.